The following is an entry in ClinVar:

ClinVar aggregate classification (germline): Likely pathogenic (1 of 4 stars; one submission).

Conditions:
Pelizaeus-Merzbacher disease. Also called: LEUKODYSTROPHY, HYPOMYELINATING, 1; Sudanophilic leukodystrophy; Pelizaeus-Merzbacher spectrum disorder; Pelizaeus-Merzbacher Disease (PMD); Pelizeaus-Merzbacher spectrum disorder. Identifiers: Orphanet 702, MedGen C0205711, MONDO:0010714, OMIM 312080, HP:0003269.

Submission:

Molecular Diagnostics Lab, Nemours Children's Health, Delaware
Classification: Likely pathogenic for Pelizaeus-Merzbacher disease. Last evaluated: 2021-02-16. Review status: criteria provided, single submitter. Criteria: ACMG Guidelines, 2015. Collection method: clinical testing. Allele origin: unknown. Inheritance: X-linked inheritance. Affected: yes. Observed: 1 hemizygote.
Comment: This nonsense variant (c.105T>A, p.Cys35*) has not been observed in population databases (gnomAD). It has been described in the literature (PMID 1572223). No functional studies have been published.

Literature cited by the submitters: PubMed 15712223.

NM_000533.5(PLP1):c.105T>A (p.Cys35Ter)

Genes: PLP1 (proteolipid protein 1; plus strand), RAB9B (RAB9B, member RAS oncogene family; minus strand). Cytogenetic location: Xq22.2.
Variant type: single nucleotide variant.
Coding change: c.105T>A on transcript NM_000533.5 (MANE Select); coding-DNA position 105, T replaced by A.
Protein change: p.Cys35Ter; replaces cysteine 35 with a stop codon.
Molecular consequence: nonsense. On other transcripts: intron variant (1).
Genome position (GRCh38, 1-based): chrX:103,785,682, T>A. VCF-style: chrX-103785682-T-A. GRCh37 (hg19) VCF-style: chrX-103040611-T-A.
Other names: c.105T>A, p.Cys35Ter (NM_001128834.3, NM_199478.3); c.5-65T>A (NM_001305004.1); short protein forms C35*.
Identifiers: ClinVar variation 3255413 (VCV003255413.2), dbSNP rs2522301484.